The following is an entry in ClinVar:

ClinVar aggregate classification (germline): Likely pathogenic (1 of 4 stars; one submission).

Conditions:
Cardiovascular phenotype. Identifiers: MedGen CN230736.

Submission:

Ambry Genetics
Classification: Likely pathogenic for Cardiovascular phenotype. Last evaluated: 2020-12-16. Review status: criteria provided, single submitter. Criteria: Ambry Variant Classification Scheme 2023. Collection method: clinical testing. Allele origin: germline.
Comment: The c.71828_71831delTTTC variant, located in coding exon 181 of the TTN gene, results from a deletion of 4 nucleotides at nucleotide positions 71828 to 71831, causing a translational frameshift with a predicted alternate stop codon (p.L23943Qfs*52). This exon is located in the A-band region of the N2-B isoform of the titin protein and is constitutively expressed in TTN transcripts (percent spliced in or PSI 100%). This alteration is expected to result in loss of function by premature protein truncation or nonsense-mediated mRNA decay. While truncating variants in TTN are present in 1-3% of the general population, truncating variants in the A-band are the most common cause of dilated cardiomyopathy (DCM) (Herman DS et al. N. Engl. J. Med., 2012 Feb;366:619-28; Roberts AM et al. Sci Transl Med, 2015 Jan;7:270ra6). TTN truncating variants encoded in constitutive exons (PSI >90%) have been found to be significantly associated with DCM regardless of their position in titin (Schafer S et al. Nat. Genet., 2017 01;49:46-53). As such, this alteration is classified as likely pathogenic.

NM_001267550.2(TTN):c.99023_99026del (p.Leu33008fs)

Genes: TTN (titin; minus strand), TTN-AS1 (TTN antisense RNA 1; plus strand). Cytogenetic location: 2q31.2.
Variant type: Deletion.
Coding change: c.99023_99026del on transcript NM_001267550.2 (MANE Select); coding-DNA positions 99023 to 99026, 4 bases deleted (TTTC; older notation c.99023_99026delTTTC).
Protein change: p.Leu33008fs; shifts the reading frame from leucine 33008.
Molecular consequence: frameshift variant. On other transcripts: non-coding transcript variant (1).
Genome position (GRCh38, 1-based): chr2:178,538,803-178,538,806, GAAA deleted on the plus strand (TTTC on the coding strand, the reverse complement: TTN is on the minus strand); deleting any 4 consecutive bases within chr2:178,538,803-178,538,809 gives the same sequence; the c. name uses the placement nearest the transcript's 3' end. VCF-style (leftmost placement, unchanged base first): chr2-178538802-TGAAA-T. GRCh37 (hg19) VCF-style: chr2-179403529-TGAAA-T.
Other names: c.94100_94103del, p.Leu31367fs (NM_001256850.1); c.71828_71831del, p.Leu23943fs (NM_003319.4); c.91319_91322del, p.Leu30440fs (NM_133378.4); c.72203_72206del, p.Leu24068fs (NM_133432.3); c.72404_72407del, p.Leu24135fs (NM_133437.4); c.71828_71831delTTTC (NM_003319.4); short protein forms L24135fs, L30440fs, L33008fs, L23943fs, L24068fs, L31367fs.
Identifiers: ClinVar variation 1757549 (VCV001757549.2), dbSNP rs2468737336, ClinGen allele CA2580064645.
Genomic context (GRCh38, chr2:178,538,802, plus strand): 5'-TTCTTTACCACCATCACATTCAGGTTTCTCCCACTGTAGAGTGACACTATCTTTGGATAT[TGAAA>T]GAATCTCAAGTTCTCCTGGTTGGCTTGGTTTATCTGAAATATTTTAAAATAATGAAAAGG-3'